The following is an entry in ClinVar:

ClinVar aggregate classification (germline): Uncertain significance. Review status: criteria provided, multiple submitters, no conflicts (2 of 4 stars). 2 submissions from 2 submitters: Uncertain significance (2). Last evaluated 2024-01-08.

Conditions:
Cone-rod dystrophy 13 (CORD13). Identifiers: Orphanet 1872, MedGen C2750720, MONDO:0011987, OMIM 608194.
Leber congenital amaurosis 6 (LCA6). Identifiers: Orphanet 65, MedGen C1854260, MONDO:0013446, OMIM 613826.

Allele frequency attached by ClinVar (database versions not stated): gnomAD 0.00002; ExAC 0.00003; gnomAD exomes 0.00003; TOPMed 0.00003.
gnomAD v4.1: 49 of 1,611,820 alleles (0.003%); highest among the groups gnomAD compares: Middle Eastern, 0.099%; no homozygotes.

Submissions (2):

Labcorp Genetics (formerly Invitae), Labcorp
Classification: Uncertain significance for Leber congenital amaurosis 6; Cone-rod dystrophy 13. Last evaluated: 2024-01-08. Review status: criteria provided, single submitter. Criteria: Invitae Variant Classification Sherloc (09022015). Collection method: clinical testing. Allele origin: germline.
Comment: This sequence change replaces histidine, which is basic and polar, with arginine, which is basic and polar, at codon 1274 of the RPGRIP1 protein (p.His1274Arg). This variant is present in population databases (rs758718790, gnomAD 0.006%). This variant has not been reported in the literature in individuals affected with RPGRIP1-related conditions. ClinVar contains an entry for this variant (Variation ID: 1063678). Advanced modeling of protein sequence and biophysical properties (such as structural, functional, and spatial information, amino acid conservation, physicochemical variation, residue mobility, and thermodynamic stability) performed at Invitae indicates that this missense variant is not expected to disrupt RPGRIP1 protein function with a negative predictive value of 80%. In summary, the available evidence is currently insufficient to determine the role of this variant in disease. Therefore, it has been classified as a Variant of Uncertain Significance.

Blueprint Genetics
Classification: Uncertain significance. Last evaluated: 2023-07-21. Review status: criteria provided, single submitter. Criteria: ACMG Guidelines, 2015. Collection method: clinical testing. Allele origin: germline.

NM_020366.4(RPGRIP1):c.3821A>G (p.His1274Arg)

Gene: RPGRIP1 (RPGR interacting protein 1; plus strand). Cytogenetic location: 14q11.2.
Variant type: single nucleotide variant.
Coding change: c.3821A>G on transcript NM_020366.4 (MANE Select); coding-DNA position 3821, A replaced by G.
Protein change: p.His1274Arg; replaces histidine 1274 with arginine.
Molecular consequence: missense variant.
Genome position (GRCh38, 1-based): chr14:21,351,176, A>G. VCF-style: chr14-21351176-A-G. GRCh37 (hg19) VCF-style: chr14-21819335-A-G.
Other names: c.1799A>G, p.His600Arg (NM_001377523.1, NM_001377950.1); c.2747A>G, p.His916Arg (NM_001377948.1); c.1907A>G, p.His636Arg (NM_001377949.1); c.1304A>G, p.His435Arg (NM_001377951.1); short protein forms H1274R, H435R, H600R, H636R, H916R.
Identifiers: ClinVar variation 1063678 (VCV001063678.8), dbSNP rs758718790, ClinGen allele CA7089623.
Genomic context (GRCh38, chr14:21,351,176, plus strand): 5'-AAGATCTGGCTACCCCAATAGGAAGGCTGAAGGTTTCCCTTCAAGCAGCTGCTGTCCTCC[A>G]TGCTATTTACAAGGAGATGACTGAAGATTTGTTTTCATGAAGGAACAAGTGCTATTCCAA-3'
Protein context (NP_065099.3, residues 1264-1284): KVSLQAAAVL[His1274Arg]AIYKEMTEDL